The following is an entry in ClinVar:

NM_198525.3(KIF7):c.3871G>A (p.Glu1291Lys)

Gene: KIF7 (kinesin family member 7; minus strand). Cytogenetic location: 15q26.1.
Variant type: single nucleotide variant.
Coding change: c.3871G>A on transcript NM_198525.3 (MANE Select); coding-DNA position 3871, G replaced by A.
Protein change: p.Glu1291Lys; replaces glutamic acid 1291 with lysine.
Molecular consequence: missense variant.
Genome position (GRCh38, 1-based): chr15:89,628,580, C>T on the plus strand (G>A on the coding strand, the complement: KIF7 is on the minus strand). VCF-style: chr15-89628580-C-T. GRCh37 (hg19) VCF-style: chr15-90171811-C-T.
Other names: short protein forms E1291K.
Identifiers: ClinVar variation 885251 (VCV000885251.15), dbSNP rs751191936, ClinGen allele CA7727496.
Genomic context (GRCh38, chr15:89,628,580, plus strand): 5'-CACCCACAGGAAGCACCCGCCCCACCAGGGGCTCAGCCGCCTCCCGCTGCCTCAGTTCCT[C>T]GGGGGACCCCTGCTCCTCACCACACAGGCTCGAGCGTTTCCAGGTCAAGGGTAACGGAGC-3'
Protein context (NP_940927.2, residues 1281-1301): SLCGEEQGSP[Glu1291Lys]ELRQREAAEP

ClinVar aggregate classification (germline): Uncertain significance. Review status: criteria provided, multiple submitters, no conflicts (2 of 4 stars). 6 submissions from 6 submitters: Uncertain significance (6). Last evaluated 2024-07-31.

Conditions:
Acrocallosal syndrome (ACLS). Also called: Schinzel syndrome 1; Absence of corpus callosum with unusual facial appearance, mental deficiency, duplication of the halluces and polydactyly; HALLUX DUPLICATION, POSTAXIAL POLYDACTYLY, AND ABSENCE OF CORPUS CALLOSUM. Identifiers: Orphanet 36, MedGen C0796147, MONDO:0008708, OMIM 200990.
Inborn genetic diseases. Identifiers: MedGen C0950123, MeSH D030342.

Allele frequency attached by ClinVar (database versions not stated): gnomAD 0.00008; TOPMed 0.00010; ExAC 0.00013.
gnomAD v4.1: 100 of 1,613,544 alleles (0.0062%); highest among the groups gnomAD compares: Admixed American, 0.092%; no homozygotes.

Submissions (6):

Ambry Genetics
Classification: Uncertain significance for Inborn genetic diseases. Last evaluated: 2024-07-31. Review status: criteria provided, single submitter. Criteria: Ambry Variant Classification Scheme 2023. Collection method: clinical testing. Allele origin: germline.

Labcorp Genetics (formerly Invitae), Labcorp
Classification: Uncertain significance for Acrocallosal syndrome. Last evaluated: 2022-10-17. Review status: criteria provided, single submitter. Criteria: Invitae Variant Classification Sherloc (09022015). Collection method: clinical testing. Allele origin: germline.
Comment: This sequence change replaces glutamic acid, which is acidic and polar, with lysine, which is basic and polar, at codon 1291 of the KIF7 protein (p.Glu1291Lys). This variant is present in population databases (rs751191936, gnomAD 0.1%). This variant has not been reported in the literature in individuals affected with KIF7-related conditions. ClinVar contains an entry for this variant (Variation ID: 885251). Advanced modeling of protein sequence and biophysical properties (such as structural, functional, and spatial information, amino acid conservation, physicochemical variation, residue mobility, and thermodynamic stability) has been performed at Invitae for this missense variant, however the output from this modeling did not meet the statistical confidence thresholds required to predict the impact of this variant on KIF7 protein function. In summary, the available evidence is currently insufficient to determine the role of this variant in disease. Therefore, it has been classified as a Variant of Uncertain Significance.

GeneDx
Classification: Uncertain significance. Last evaluated: 2022-09-24. Review status: criteria provided, single submitter. Criteria: GeneDx Variant Classification Process June 2021. Collection method: clinical testing. Allele origin: germline. Affected: yes.
Comment: In silico analysis supports that this missense variant does not alter protein structure/function; Has not been previously published as pathogenic or benign to our knowledge

Revvity Omics, Revvity
Classification: Uncertain significance. Last evaluated: 2022-08-11. Review status: criteria provided, single submitter. Criteria: ACMG Guidelines, 2015. Collection method: clinical testing. Allele origin: germline.

Illumina Laboratory Services, Illumina
Classification: Uncertain significance for Acrocallosal syndrome. Last evaluated: 2018-01-12. Review status: criteria provided, single submitter. Criteria: ICSL Variant Classification Criteria 13 December 2019. Collection method: clinical testing. Allele origin: germline.

Breakthrough Genomics
Classification: Uncertain significance. Review status: criteria provided, single submitter. Criteria: ACMG Guidelines, 2015. Collection method: not provided. Allele origin: germline. Inheritance: Autosomal recessive inheritance. Affected: yes.